The following is an entry in ClinVar:

ClinVar aggregate classification (germline): Likely benign (1 of 4 stars; one submission).

Conditions:
CACNA1I-related disorder. Also called: CACNA1I-related condition.

gnomAD v4.1: 117 of 1,614,050 alleles (0.0072%); highest among the groups gnomAD compares: African/African-American, 0.092%; no homozygotes.

Submission:

PreventionGenetics, part of Exact Sciences
Classification: Likely benign for CACNA1I-related condition. Last evaluated: 2026-03-24. Review status: criteria provided, single submitter. Criteria: ACMG Guidelines, 2015. Collection method: clinical testing. Allele origin: germline.
Comment: This variant is classified as likely benign based on ACMG/AMP sequence variant interpretation guidelines (Richards et al. 2015 PMID: 25741868, with internal and published modifications).

NM_021096.4(CACNA1I):c.903C>T (p.Tyr301=)

Gene: CACNA1I (calcium voltage-gated channel subunit alpha1 I; plus strand). Cytogenetic location: 22q13.1.
Variant type: single nucleotide variant.
Coding change: c.903C>T on transcript NM_021096.4 (MANE Select); coding-DNA position 903, C replaced by T.
Protein change: p.Tyr301=; no amino-acid change (tyrosine 301 retained).
Molecular consequence: synonymous variant.
Genome position (GRCh38, 1-based): chr22:39,641,029, C>T. VCF-style: chr22-39641029-C-T. GRCh37 (hg19) VCF-style: chr22-40037034-C-T.
Other names: c.903C>T, p.Tyr301= (NM_001003406.2).
Identifiers: ClinVar variation 4988384 (VCV004988384.1).